The following is an entry in ClinVar:

NM_004006.3(DMD):c.10223+221G>A

Gene: DMD (dystrophin; minus strand). Cytogenetic location: Xp21.2.
Variant type: single nucleotide variant.
Coding change: c.10223+221G>A on transcript NM_004006.3 (MANE Select); 221 bases into the intron after coding-DNA position 10223, G replaced by A.
Molecular consequence: intron variant. On other transcripts: 3 prime UTR variant (1).
Genome position (GRCh38, 1-based): chrX:31,178,448, C>T on the plus strand (G>A on the coding strand, the complement: DMD is on the minus strand). VCF-style: chrX-31178448-C-T. GRCh37 (hg19) VCF-style: chrX-31196565-C-T.
Other names: c.*217G>A (NM_004019.3); c.10199+221G>A (NM_000109.4); c.6200+221G>A (NM_004011.4); c.6191+221G>A (NM_004012.4); c.2843+221G>A (NM_004023.3, NM_004020.4, NM_004022.3 and 2 more transcripts); c.2036+221G>A (NM_004014.3); c.1019+221G>A (NM_004018.3, NM_004017.3, NM_004016.3 and 1 more transcripts); c.10211+221G>A (NM_004009.3); and 1 more.
Identifiers: ClinVar variation 673851 (VCV000673851.2), dbSNP rs200389975, ClinGen allele CA328405433.
Genomic context (GRCh38, chrX:31,178,448, plus strand): 5'-TCTTATAAGGCTTGTAAGGCAATTAGTGGCTGTATTGTGTTGTGGTTTTTTTTTTTTTTT[C>T]CCCCTGTGAGATAAAGTTTAACTTTTGGAAAAAGAAATTGTCAAGTGACGTGGGAAAGTG-3'

ClinVar aggregate classification (germline): Benign. Review status: criteria provided, multiple submitters, no conflicts (2 of 4 stars). 2 submissions from 2 submitters: Benign (2). Last evaluated 2018-06-18.

Allele frequency attached by ClinVar (database versions not stated): gnomAD 0.03714 and 0.03916; 1000 Genomes Project 30x 0.04579; 1000 Genomes Project 0.05166.
gnomAD v4.1: 5,954 of 694,966 alleles (0.86%); highest among the groups gnomAD compares: African/African-American, 13%; 212 homozygotes.

Submissions (2):

GeneDx
Classification: Benign. Last evaluated: 2018-06-18. Review status: criteria provided, single submitter. Criteria: GeneDx Variant Classification (06012015). Collection method: clinical testing. Allele origin: germline. Affected: yes.
Comment: This variant is considered likely benign or benign based on one or more of the following criteria: it is a conservative change, it occurs at a poorly conserved position in the protein, it is predicted to be benign by multiple in silico algorithms, and/or has population frequency not consistent with disease.

Breakthrough Genomics
Classification: Benign. Review status: criteria provided, single submitter. Criteria: ACMG Guidelines, 2015. Collection method: not provided. Allele origin: germline. Inheritance: X-linked inheritance. Affected: yes.